The following is an entry in ClinVar:

NM_016222.4(DDX41):c.1272G>A (p.Leu424=)

Gene: DDX41 (DEAD-box helicase 41; minus strand). Cytogenetic location: 5q35.3.
Variant type: single nucleotide variant.
Coding change: c.1272G>A on transcript NM_016222.4 (MANE Select); coding-DNA position 1272, G replaced by A.
Protein change: p.Leu424=; no amino-acid change (leucine 424 retained).
Molecular consequence: synonymous variant.
Genome position (GRCh38, 1-based): chr5:177,513,041, C>T on the plus strand (G>A on the coding strand, the complement: DDX41 is on the minus strand). VCF-style: chr5-177513041-C-T. GRCh37 (hg19) VCF-style: chr5-176940042-C-T.
Other names: c.894G>A, p.Leu298= (NM_001321732.2, NM_001321830.2).
Identifiers: ClinVar variation 3500547 (VCV003500547.3).

ClinVar aggregate classification (germline): Conflicting classifications of pathogenicity. Review status: criteria provided, conflicting classifications (1 of 4 stars). 2 submissions from 2 submitters: Uncertain significance (1); Likely benign (1). Last evaluated 2025-06-01.

Conditions:
Inborn genetic diseases. Identifiers: MedGen C0950123, MeSH D030342.

gnomAD v4.1: 31 of 1,613,850 alleles (0.0019%); highest among the groups gnomAD compares: Admixed American, 0.0033%; no homozygotes.

Submissions (2):

GeneDx
Classification: Uncertain significance. Last evaluated: 2025-06-01. Review status: criteria provided, single submitter. Criteria: GeneDx Variant Classification Process June 2021. Collection method: clinical testing. Allele origin: germline. Affected: yes.
Comment: Not observed at significant frequency in large population cohorts (gnomAD); In silico analysis suggests that this variant does not alter splicing; Has not been previously published as pathogenic or benign to our knowledge

Ambry Genetics
Classification: Likely benign for Inborn genetic diseases. Last evaluated: 2024-12-04. Review status: criteria provided, single submitter. Criteria: Ambry Variant Classification Scheme 2023. Collection method: clinical testing. Allele origin: germline.